The following is an entry in ClinVar:

ClinVar aggregate classification (germline): Uncertain significance. Review status: criteria provided, multiple submitters, no conflicts (2 of 4 stars). 3 submissions from 3 submitters: Uncertain significance (3). Last evaluated 2025-01-16.

Conditions:
Inborn genetic diseases. Identifiers: MedGen C0950123, MeSH D030342.
RYR1-related disorder. Also called: RYR1-related condition; RYR1-related disorders. Identifiers: MedGen CN239331.

Allele frequency attached by ClinVar (database versions not stated): gnomAD exomes 0.00001; gnomAD 0.00003; TOPMed 0.00003.
gnomAD v4.1: 15 of 1,427,504 alleles (0.0011%); highest among the groups gnomAD compares: African/African-American, 0.012%; no homozygotes.

Submissions (3):

Ambry Genetics
Classification: Uncertain significance for Inborn genetic diseases. Last evaluated: 2025-01-16. Review status: criteria provided, single submitter. Criteria: Ambry Variant Classification Scheme 2023. Collection method: clinical testing. Allele origin: germline.

GeneDx
Classification: Uncertain significance. Last evaluated: 2024-12-22. Review status: criteria provided, single submitter. Criteria: GeneDx Variant Classification Process June 2021. Collection method: clinical testing. Allele origin: germline. Affected: yes.
Comment: Not observed at significant frequency in large population cohorts (gnomAD); In silico analysis indicates that this missense variant does not alter protein structure/function; Has not been previously published as pathogenic or benign to our knowledge

Labcorp Genetics (formerly Invitae), Labcorp
Classification: Uncertain significance for RYR1-related disorder. Last evaluated: 2022-10-05. Review status: criteria provided, single submitter. Criteria: Invitae Variant Classification Sherloc (09022015). Collection method: clinical testing. Allele origin: germline.
Comment: This sequence change replaces threonine, which is neutral and polar, with methionine, which is neutral and non-polar, at codon 4461 of the RYR1 protein (p.Thr4461Met). This variant is not present in population databases (gnomAD no frequency). This variant has not been reported in the literature in individuals affected with RYR1-related conditions. Advanced modeling of protein sequence and biophysical properties (such as structural, functional, and spatial information, amino acid conservation, physicochemical variation, residue mobility, and thermodynamic stability) has been performed at Invitae for this missense variant, however the output from this modeling did not meet the statistical confidence thresholds required to predict the impact of this variant on RYR1 protein function. In summary, the available evidence is currently insufficient to determine the role of this variant in disease. Therefore, it has been classified as a Variant of Uncertain Significance.

NM_000540.3(RYR1):c.13382C>T (p.Thr4461Met)

Gene: RYR1 (ryanodine receptor 1; plus strand). Cytogenetic location: 19q13.2.
Variant type: single nucleotide variant.
Coding change: c.13382C>T on transcript NM_000540.3 (MANE Select); coding-DNA position 13382, C replaced by T.
Protein change: p.Thr4461Met; replaces threonine 4461 with methionine.
Molecular consequence: missense variant.
Genome position (GRCh38, 1-based): chr19:38,565,716, C>T. VCF-style: chr19-38565716-C-T. GRCh37 (hg19) VCF-style: chr19-39056356-C-T.
Other names: c.13367C>T, p.Thr4456Met (NM_001042723.2); short protein forms T4456M, T4461M.
Identifiers: ClinVar variation 2077898 (VCV002077898.3), dbSNP rs1299546084, ClinGen allele CA405675409.